The following is an entry in ClinVar:

ClinVar aggregate classification (germline): Likely benign (0 of 4 stars; one submission).

Conditions:
HNRNPD-related disorder. Also called: HNRNPD-related condition.

Allele frequency attached by ClinVar (database versions not stated): ExAC 0.00012; ESP Exome Variant Server 0.00015; 1000 Genomes Project 30x 0.00016; gnomAD 0.00016; 1000 Genomes Project 0.00020; TOPMed 0.00020; gnomAD exomes 0.00028.
gnomAD v4.1: 448 of 1,614,132 alleles (0.028%); highest among the groups gnomAD compares: Non-Finnish European, 0.034%; no homozygotes.

Submission:

PreventionGenetics, part of Exact Sciences
Classification: Likely benign for HNRNPD-related condition. Last evaluated: 2020-02-24. Review status: no assertion criteria provided. Collection method: clinical testing. Allele origin: germline.
Comment: This variant is classified as likely benign based on ACMG/AMP sequence variant interpretation guidelines (Richards et al. 2015 PMID: 25741868, with internal and published modifications).

NM_031370.3(HNRNPD):c.786A>G (p.Gln262=)

Gene: HNRNPD (heterogeneous nuclear ribonucleoprotein D; minus strand). Cytogenetic location: 4q21.22.
Variant type: single nucleotide variant.
Coding change: c.786A>G on transcript NM_031370.3 (MANE Select); coding-DNA position 786, A replaced by G.
Protein change: p.Gln262=; no amino-acid change (glutamine 262 retained).
Molecular consequence: synonymous variant.
Genome position (GRCh38, 1-based): chr4:82,356,863, T>C on the plus strand (A>G on the coding strand, the complement: HNRNPD is on the minus strand). VCF-style: chr4-82356863-T-C. GRCh37 (hg19) VCF-style: chr4-83278016-T-C.
Other names: c.729A>G, p.Gln243= (NM_001003810.2, NM_031369.3); c.786A>G, p.Gln262= (NM_002138.4).
Identifiers: ClinVar variation 3051593 (VCV003051593.2), dbSNP rs147699912, ClinGen allele CA2984551.
Genomic context (GRCh38, chr4:82,356,863, plus strand): 5'-TCTTCCACGAGCTCTTCCTGCAAATCCTCCTCTAGATCCCCACTGTTGCTGTTGCTGATA[T>C]TGTTCCTTCGACATGGCTACTTTTATTTCACACTAAAAGAGAAAAATTACATTATTAAAC-3'
Protein context (NP_112738.1, residues 252-272): CEIKVAMSKE[Gln262=]YQQQQQWGSR